The following is an entry in ClinVar:

ClinVar aggregate classification (germline): Uncertain significance (1 of 4 stars; one submission).

Conditions:
Hereditary cancer-predisposing syndrome. Also called: Neoplastic Syndromes, Hereditary; Tumor predisposition; Hereditary neoplastic syndrome; Hereditary Cancer Syndrome. Identifiers: Orphanet 140162, MedGen C0027672, MeSH D009386, MONDO:0015356.

Submission:

Ambry Genetics
Classification: Uncertain significance for Hereditary cancer-predisposing syndrome. Last evaluated: 2024-06-16. Review status: criteria provided, single submitter. Criteria: Ambry Variant Classification Scheme 2023. Collection method: clinical testing. Allele origin: germline.
Comment: The p.V783E variant (also known as c.2348T>A), located in coding exon 21 of the POLE gene, results from a T to A substitution at nucleotide position 2348. The valine at codon 783 is replaced by glutamic acid, an amino acid with dissimilar properties. This amino acid position is conserved. In addition, this alteration is predicted to be tolerated by in silico analysis. Based on the available evidence, the clinical significance of this variant remains unclear.

NM_006231.4(POLE):c.2348T>A (p.Val783Glu)

Gene: POLE (DNA polymerase epsilon, catalytic subunit; minus strand). Cytogenetic location: 12q24.33.
Variant type: single nucleotide variant.
Coding change: c.2348T>A on transcript NM_006231.4 (MANE Select); coding-DNA position 2348, T replaced by A.
Protein change: p.Val783Glu; replaces valine 783 with glutamic acid.
Molecular consequence: missense variant.
Genome position (GRCh38, 1-based): chr12:132,665,422, A>T on the plus strand (T>A on the coding strand, the complement: POLE is on the minus strand). VCF-style: chr12-132665422-A-T. GRCh37 (hg19) VCF-style: chr12-133242008-A-T.
Other names: short protein forms V783E.
Identifiers: ClinVar variation 3308435 (VCV003308435.1).